The following is an entry in ClinVar:

ClinVar aggregate classification (germline): Likely benign. Review status: criteria provided, multiple submitters, no conflicts (2 of 4 stars). 3 submissions from 3 submitters: Likely benign (2). 1 of the submissions does not count toward it. Last evaluated 2025-07-31.

Conditions:
KIAA0586-related disorder. Also called: KIAA0586-related condition; KIAA0586- Related disorders.
Short-rib thoracic dysplasia 14 with polydactyly (SRTD14). Identifiers: Orphanet 397715, MedGen C4225286, MONDO:0014688, OMIM 616546.
Joubert syndrome 23 (JBTS23). Identifiers: Orphanet 475, MedGen C4084822, MONDO:0014664, OMIM 616490.

Allele frequency attached by ClinVar (database versions not stated): gnomAD exomes 0.00008; 1000 Genomes Project 0.00020; ESP Exome Variant Server 0.00026; ExAC 0.00031; gnomAD 0.00033; TOPMed 0.00037; 1000 Genomes Project 30x 0.00047.
gnomAD v4.1: 115 of 1,510,478 alleles (0.0076%); highest among the groups gnomAD compares: African/African-American, 0.11%; 1 homozygote.

Submissions (3):

Labcorp Genetics (formerly Invitae), Labcorp
Classification: Likely benign for Joubert syndrome 23; Short-rib thoracic dysplasia 14 with polydactyly. Last evaluated: 2025-07-31. Review status: criteria provided, single submitter. Criteria: Invitae Variant Classification Sherloc (09022015). Collection method: clinical testing. Allele origin: germline.

Blueprint Genetics
Classification: Likely benign. Last evaluated: 2024-02-23. Review status: criteria provided, single submitter. Criteria: ACMG Guidelines, 2015. Collection method: clinical testing. Allele origin: germline.

PreventionGenetics, part of Exact Sciences
Classification: Likely benign for KIAA0586-related condition. Last evaluated: 2019-06-05. Review status: no assertion criteria provided. Collection method: clinical testing. Allele origin: germline. Not counted in ClinVar's aggregate classification.
Comment: This variant is classified as likely benign based on ACMG/AMP sequence variant interpretation guidelines (Richards et al. 2015 PMID: 25741868, with internal and published modifications).

NM_001329943.3(KIAA0586):c.2554-9C>T

Gene: KIAA0586 (KIAA0586; plus strand). Cytogenetic location: 14q23.1.
Variant type: single nucleotide variant.
Coding change: c.2554-9C>T on transcript NM_001329943.3 (MANE Select); 9 bases into the intron before coding-DNA position 2554, C replaced by T.
Molecular consequence: intron variant.
Genome position (GRCh38, 1-based): chr14:58,472,190, C>T. VCF-style: chr14-58472190-C-T. GRCh37 (hg19) VCF-style: chr14-58938908-C-T.
Other names: c.2713-9C>T (NM_001244189.2, NM_001244189.1); c.2509-9C>T (NM_001244190.2); c.2422-9C>T (NM_001244192.2); c.2299-9C>T (NM_001244191.2, NM_001364701.2, NM_001329945.2 and 1 more transcripts); c.2554-9C>T (NM_001329944.2, NM_001329946.2, NM_001329947.2); c.2326-9C>T (NM_014749.5); c.2134-9C>T (NM_001244193.2).
Identifiers: ClinVar variation 1082184 (VCV001082184.12), dbSNP rs202018500, ClinGen allele CA7205921.